The following is an entry in ClinVar:

NM_018451.5(CPAP):c.3754G>C (p.Val1252Leu)

Genes: CPAP (centrosome assembly and centriole elongation protein; minus strand), RNF17 (ring finger protein 17; plus strand). Cytogenetic location: 13q12.12.
Variant type: single nucleotide variant.
Coding change: c.3754G>C on transcript NM_018451.5 (MANE Select); coding-DNA position 3754, G replaced by C.
Protein change: p.Val1252Leu; replaces valine 1252 with leucine.
Molecular consequence: missense variant. On other transcripts: non-coding transcript variant (2).
Genome position (GRCh38, 1-based): chr13:24,884,033, C>G on the plus strand (G>C on the coding strand, the complement: CPAP is on the minus strand). VCF-style: chr13-24884033-C-G. GRCh37 (hg19) VCF-style: chr13-25458171-C-G.
Other names: short protein forms V1252L.
Identifiers: ClinVar variation 4770189 (VCV004770189.1).
Genomic context (GRCh38, chr13:24,884,033, plus strand): 5'-TGACAATTGTACCATCTGGGAAAATGCTTTCTTCTTGTCCATCAGGAAATAAGTTTTTAA[C>G]AGTCTGGTCAGGAAACGTGATTTCTTTTCTTCCATCTGGGTAATGTTTTTCTGTTTAAAA-3'
Protein context (NP_060921.3, residues 1242-1262): RKEITFPDQT[Val1252Leu]KNLFPDGQEE

ClinVar aggregate classification (germline): Uncertain significance (1 of 4 stars; one submission).

Submission:

Labcorp Genetics (formerly Invitae), Labcorp
Classification: Uncertain significance. Last evaluated: 2025-07-01. Review status: criteria provided, single submitter. Criteria: Invitae Variant Classification Sherloc (09022015). Collection method: clinical testing. Allele origin: germline.
Comment: This sequence change replaces valine, which is neutral and non-polar, with leucine, which is neutral and non-polar, at codon 1252 of the CENPJ protein (p.Val1252Leu). This variant is not present in population databases (gnomAD no frequency). This variant has not been reported in the literature in individuals affected with CENPJ-related conditions. Invitae Evidence Modeling of protein sequence and biophysical properties (such as structural, functional, and spatial information, amino acid conservation, physicochemical variation, residue mobility, and thermodynamic stability) indicates that this missense variant is expected to disrupt CENPJ protein function with a positive predictive value of 80%. In summary, the available evidence is currently insufficient to determine the role of this variant in disease. Therefore, it has been classified as a Variant of Uncertain Significance.